The following is an entry in ClinVar:

ClinVar aggregate classification (germline): Benign (1 of 4 stars; one submission).

Conditions:
Atypical hemolytic-uremic syndrome. Identifiers: Orphanet 2134, MedGen C2931788, MONDO:0016244.
Basal laminar drusen. Also called: DRUSEN OF BRUCH MEMBRANE; DRUSEN, CUTICULAR; DRUSEN, EARLY ADULT-ONSET, GROUPED. Identifiers: Orphanet 75376, MedGen C0730295, MONDO:0007472, OMIM 126700.
Factor H deficiency (CFHD). Also called: COMPLEMENT FACTOR H DEFICIENCY; CFH DEFICIENCY. Identifiers: Orphanet 200421, MedGen C0398777, MONDO:0012350, OMIM 609814.
Age related macular degeneration 4. Identifiers: MedGen C1853147, MONDO:0012540, OMIM 610698.

gnomAD v4.1: 298 of 1,610,380 alleles (0.019%); highest among the groups gnomAD compares: East Asian, 0.58%; no homozygotes.

Submission:

Genomenon, Inc
Classification: Benign for Basal laminar drusen; Age related macular degeneration 4; Atypical hemolytic-uremic syndrome; Factor H deficiency. Last evaluated: 2025-10-02. Review status: criteria provided, single submitter. Criteria: Genomenon Sequence Variant Interpretation Standards - Updated. Collection method: curation. Allele origin: germline. Affected: no.
Comment: CFH c.964+25C>T is an intronic variant located in intron 7. This variant is present at high allele frequency in population databases. In conclusion, we classify CFH c.964+25C>T as a benign variant.

NM_000186.4(CFH):c.964+25C>T

Gene: CFH (complement factor H; plus strand). Cytogenetic location: 1q31.3.
Variant type: single nucleotide variant.
Coding change: c.964+25C>T on transcript NM_000186.4 (MANE Select); 25 bases into the intron after coding-DNA position 964, C replaced by T.
Molecular consequence: intron variant.
Genome position (GRCh38, 1-based): chr1:196,685,262, C>T. VCF-style: chr1-196685262-C-T. GRCh37 (hg19) VCF-style: chr1-196654392-C-T.
Other names: c.964+25C>T (NM_001014975.3).
Identifiers: ClinVar variation 4291336 (VCV004291336.1).
Genomic context (GRCh38, chr1:196,685,262, plus strand): 5'-CAAGTACTGGCTGGATACCTGCTCCGAGATGTACCTGTAAGTTCCATTCATATCTTGACC[C>T]ATTTCTTAATTCTGAAATTTCTTTTAAACACATAAAAAATAGGGACTCAATAAAACCAAA-3'